The following is an entry in ClinVar:

ClinVar aggregate classification (germline): Likely pathogenic. Review status: criteria provided, multiple submitters, no conflicts (2 of 4 stars). 4 submissions from 4 submitters: Likely pathogenic (4). Last evaluated 2026-09-22.

Conditions:
Autosomal recessive titinopathy. Identifiers: MedGen CN315649, MONDO:0100493.
Autosomal recessive limb-girdle muscular dystrophy type 2J (LGMDR10). Also called: Limb-girdle muscular dystrophy, type 2J; MUSCULAR DYSTROPHY, LIMB-GIRDLE, AUTOSOMAL RECESSIVE 10. Identifiers: Orphanet 140922, MedGen C1837342, MONDO:0012127, OMIM 608807.
Dilated cardiomyopathy 1G (CMD1G). Identifiers: Orphanet 154, MedGen C1858763, MONDO:0011400, OMIM 604145.

Submissions (4):

GeneDx
Classification: Likely pathogenic. Last evaluated: 2026-09-22. Review status: criteria provided, single submitter. Criteria: GeneDx Variant Classification Process June 2021. Collection method: clinical testing. Allele origin: germline.
Comment: Frameshift variant predicted to result in protein truncation or nonsense mediated decay in a region of a gene for which loss of function is not a well-established mechanism of disease; Identified among a cohort of individuals with unexplained sudden cardiac arrest; further data regarding clinical findings and presence of additional genetic variants were not provided for the individual who has this variant (PMID: 35352813); Not observed at significant frequency in large population cohorts (gnomAD); This variant is associated with the following publications: (PMID: 35352813)

Women's Health and Genetics/Laboratory Corporation of America, LabCorp
Classification: Likely pathogenic for Autosomal recessive titinopathy. Last evaluated: 2025-01-16. Review status: criteria provided, single submitter. Criteria: LabCorp Variant Classification Summary - May 2015. Collection method: clinical testing. Allele origin: germline.
Comment: Variant summary: TTN c.19013_19014delCT (p.Ser6338TrpfsX10) (also known as NM_001267550: c.22745_22746delCT (p.Ser7582TrpfsX10)) results in a premature termination codon, predicted to cause a truncation of the encoded protein or absence of the protein due to nonsense mediated decay, which are commonly known mechanisms for disease. Loss of function variants in all TTN bands are strongly associated with a spectrum of autosomal recessive titinopathies when exon expression (proportion spliced in, PSI, 1=complete expression) in skeletal muscle is >0.1 (PMID: 36977548, 39198997, 29598826, 32778822, 29691892, 33449170, 36977548, internal data). In contrast, loss of function variants in all TTN bands are only strongly associated with autosomal dominant TTN-related cardiomyopathies if located in exons constitutively expressed (PSI >0.9) in cardiac muscle, excluding extreme C-terminal exons 359-363 (PMID: 25589632, 31216868, 32964742, 34662387, 27869827, Shetty et al., Nat Cardiovasc Res 2024,, internal data). This variant has a maximum skeletal muscle PSI of 0.940 and a maximum cardiac muscle PSI of 0.409. The frequency data for this variant in gnomAD is considered unreliable, as metrics indicate poor data quality at this position. c.19013_19014delCT has been reported in the literature in the heterozygous state in one survivor of unexplained cardiac arrest, without evidence for causality (e.g. Grondin_2022). This report does not provide unequivocal conclusions about association of the variant with TTN-related conditions. To our knowledge, no experimental evidence demonstrating an impact on protein function has been reported. The following publication has been ascertained in the context of this evaluation (PMID: 35352813). ClinVar contains an entry for this variant (Variation ID: 453163). Based on the evidence outlined above, the variant was classified as likely pathogenic for autosomal recessive TTN-related conditions.

Labcorp Genetics (formerly Invitae), Labcorp
Classification: Likely pathogenic for Dilated cardiomyopathy 1G; Autosomal recessive limb-girdle muscular dystrophy type 2J. Last evaluated: 2024-10-18. Review status: criteria provided, single submitter. Criteria: Invitae Variant Classification Sherloc (09022015). Collection method: clinical testing. Allele origin: germline.
Comment: This sequence change creates a premature translational stop signal (p.Ser7582Trpfs*10) in the TTN gene. While this is not anticipated to result in nonsense mediated decay, it is expected to create a truncated TTN protein. This variant is present in population databases (rs779549899, gnomAD 0.01%). This variant has not been observed in the literature in individuals with autosomal recessive TTN-related conditions. This variant has been reported in individual(s) with unexplained cardiac arrest (PMID: 35352813); however, the role of the variant in this condition is currently unclear. ClinVar contains an entry for this variant (Variation ID: 453163). This variant is located in the I band of TTN (PMID: 25589632). Truncating variants in this region have been reported in individuals affected with autosomal recessive centronuclear myopathy (PMID: 23975875, internal data). Truncating variants in this region have also been identified in individuals affected with autosomal dominant dilated cardiomyopathy and/or cardio-related conditions (PMID: 27869827, 32964742, internal data). In summary, the currently available evidence indicates that the variant is pathogenic, but additional data are needed to prove that conclusively. Therefore, this variant has been classified as Likely Pathogenic.

Molecular Diagnostic Laboratory for Inherited Cardiovascular Disease, Montreal Heart Institute
Classification: Likely pathogenic. Last evaluated: 2017-03-31. Review status: criteria provided, single submitter. Criteria: ACMG Guidelines, 2015. Collection method: clinical testing. Allele origin: germline. Affected: yes.

Literature cited by the submitters: PubMed 35352813 (cited by Women's Health and Genetics/Laboratory Corporation of America, LabCorp and Labcorp Genetics (formerly Invitae), Labcorp); PubMed 25589632 (cited by Labcorp Genetics (formerly Invitae), Labcorp); PubMed 23975875 (cited by Labcorp Genetics (formerly Invitae), Labcorp); PubMed 27869827 (cited by Labcorp Genetics (formerly Invitae), Labcorp); PubMed 32964742 (cited by Labcorp Genetics (formerly Invitae), Labcorp).

NM_001267550.2(TTN):c.22745_22746del (p.Ser7582fs)

Gene: TTN (titin; minus strand). Cytogenetic location: 2q31.2.
Variant type: Microsatellite.
Coding change: c.22745_22746del on transcript NM_001267550.2 (MANE Select); coding-DNA positions 22745 to 22746, 2 bases deleted (CT; older notation c.22745_22746delCT).
Protein change: p.Ser7582fs; shifts the reading frame from serine 7582.
Molecular consequence: frameshift variant. On other transcripts: intron variant (3).
Genome position (GRCh38, 1-based): chr2:178,721,917-178,721,918, AG deleted on the plus strand (CT on the coding strand, the reverse complement: TTN is on the minus strand); deleting any 2 consecutive bases within chr2:178,721,917-178,721,920 gives the same sequence; the c. name uses the placement nearest the transcript's 3' end. VCF-style (leftmost placement, unchanged base first): chr2-178721916-CAG-C. GRCh37 (hg19) VCF-style: chr2-179586643-CAG-C.
Other names: c.22745_22746delCT (NM_001267550.2); c.21794_21795del, p.Ser7265fs (NM_001256850.1); c.19013_19014del, p.Ser6338fs (NM_133378.4); c.13282+16164_13282+16165del (NM_003319.4); c.13858+16164_13858+16165del (NM_133437.4); c.13657+16164_13657+16165del (NM_133432.3); c.21794_21795delCT (NM_001256850.1); c.22745_22746del (NM_001267550.1); and 1 more; short protein forms S6338fs, S7265fs, S7582fs.
Identifiers: ClinVar variation 453163 (VCV000453163.13), dbSNP rs779549899, ClinGen allele CA2000773.